The following is an entry in ClinVar:

NM_001271862.2(PNLDC1):c.1257+1G>A

Gene: PNLDC1 (PARN like ribonuclease domain containing exonuclease 1; plus strand). Cytogenetic location: 6q25.3.
Variant type: single nucleotide variant.
Coding change: c.1257+1G>A on transcript NM_001271862.2 (MANE Select); the canonical splice donor site of the intron after coding-DNA position 1257, G replaced by A.
Molecular consequence: splice donor variant.
Genome position (GRCh38, 1-based): chr6:159,818,655, G>A. VCF-style: chr6-159818655-G-A. GRCh37 (hg19) VCF-style: chr6-160239687-G-A.
Other names: c.1224+1G>A (NM_173516.3).
Identifiers: ClinVar variation 4850445 (VCV004850445.1).
Genomic context (GRCh38, chr6:159,818,655, plus strand): 5'-GACGTGCTGGCTCCTTACGTGAACCAAGTGAACCTCATCCGAGCGGGGGTCCCAAAGATC[G>A]TGAGTAGATCTCATTTGGCCCCCTCGCCCCATTCAGAGTTCAGAGGCTTTGCTGGGAAGC-3'

ClinVar aggregate classification (germline): Likely pathogenic (1 of 4 stars; one submission).

Conditions:
Spermatogenic failure 57. Identifiers: MedGen C5561988, MONDO:0030439, OMIM 619528.

gnomAD v4.1: 21 of 1,612,250 alleles (0.0013%); highest among the groups gnomAD compares: Admixed American, 0.013%; no homozygotes.

Submission:

First Genomix Gene Laboratory, Genetic Diagnostics Department
Classification: Likely pathogenic for Spermatogenic failure 57. Last evaluated: 2025-09-24. Review status: criteria provided, single submitter. Criteria: ACMG Guidelines, 2015. Collection method: clinical testing. Allele origin: germline. Inheritance: Autosomal recessive inheritance. Affected: no. Observed: 1 variant allele.